The following is an entry in ClinVar:

NM_004006.3(DMD):c.9361+6_9361+11del

Gene: DMD (dystrophin; minus strand). Cytogenetic location: Xp21.2.
Variant type: Deletion.
Coding change: c.9361+6_9361+11del on transcript NM_004006.3 (MANE Select); bases 6 to 11 of the intron after coding-DNA position 9361, 6 bases deleted (TATTGG; older notation c.9361+6_9361+11delTATTGG).
Molecular consequence: intron variant.
Genome position (GRCh38, 1-based): chrX:31,223,036-31,223,041, CCAATA deleted on the plus strand (TATTGG on the coding strand, the reverse complement: DMD is on the minus strand); deleting any 6 consecutive bases within chrX:31,223,036-31,223,042 gives the same sequence; the c. name uses the placement nearest the transcript's 3' end. VCF-style (leftmost placement, unchanged base first): chrX-31223035-GCCAATA-G. GRCh37 (hg19) VCF-style: chrX-31241152-GCCAATA-G.
Other names: c.9361+6_9361+11delTATTGG (NM_004006.3); c.9337+6_9337+11del (NM_000109.4); c.5338+6_5338+11del (NM_004011.4); c.5329+6_5329+11del (NM_004012.4); c.1981+6_1981+11del (NM_004023.3, NM_004020.4, NM_004022.3 and 2 more transcripts); c.1174+6_1174+11del (NM_004014.3); c.157+6_157+11del (NM_004018.3, NM_004017.3, NM_004016.3 and 2 more transcripts); c.9349+6_9349+11del (NM_004009.3); and 1 more.
Identifiers: ClinVar variation 501958 (VCV000501958.8), dbSNP rs1395653580, ClinGen allele CA641191054.

ClinVar aggregate classification (germline): Uncertain significance. Review status: criteria provided, multiple submitters, no conflicts (2 of 4 stars). 4 submissions from 4 submitters: Uncertain significance (3). 1 of the submissions does not count toward it. Last evaluated 2025-05-22.

Conditions:
Duchenne muscular dystrophy (DMD). Also called: MUSCULAR DYSTROPHY, PSEUDOHYPERTROPHIC PROGRESSIVE, DUCHENNE TYPE; Duchenne Muscular Dystrophy (DMD). Identifiers: Orphanet 98896, MedGen C0013264, MONDO:0010679, OMIM 310200.
Cardiomyopathy (CMYO). Also called: Cardiomyopathies. Identifiers: Orphanet 167848, MedGen C0878544, MONDO:0004994, HP:0001638. Inheritance: Various modes of inheritance.
Becker muscular dystrophy (BMD). Also called: MUSCULAR DYSTROPHY, PSEUDOHYPERTROPHIC PROGRESSIVE, BECKER TYPE; Becker Muscular Dystrophy (BMD). Identifiers: Orphanet 98895, MedGen C0917713, MONDO:0010311, OMIM 300376.
Dystrophin deficiency.

Submissions (4):

Women's Health and Genetics/Laboratory Corporation of America, LabCorp
Classification: Uncertain significance. Last evaluated: 2025-05-22. Review status: criteria provided, single submitter. Criteria: LabCorp Variant Classification Summary - May 2015. Collection method: clinical testing. Allele origin: germline.

Labcorp Genetics (formerly Invitae), Labcorp
Classification: Uncertain significance for Duchenne muscular dystrophy. Last evaluated: 2022-08-12. Review status: criteria provided, single submitter. Criteria: Invitae Variant Classification Sherloc (09022015). Collection method: clinical testing. Allele origin: germline.
Comment: This sequence change falls in intron 64 of the DMD gene. It does not directly change the encoded amino acid sequence of the DMD protein. It affects a nucleotide within the consensus splice site. This variant is present in population databases (no rsID available, gnomAD 0.002%), including at least one homozygous and/or hemizygous individual. This variant has not been reported in the literature in individuals affected with DMD-related conditions. ClinVar contains an entry for this variant (Variation ID: 501958). Variants that disrupt the consensus splice site are a relatively common cause of aberrant splicing (PMID: 17576681, 9536098). Algorithms developed to predict the effect of sequence changes on RNA splicing suggest that this variant may create or strengthen a splice site. In summary, the available evidence is currently insufficient to determine the role of this variant in disease. Therefore, it has been classified as a Variant of Uncertain Significance.

Eurofins Ntd Llc (ga)
Classification: Uncertain significance. Last evaluated: 2017-05-19. Review status: criteria provided, single submitter. Criteria: EGL Classification Definitions 2015. Collection method: clinical testing. Allele origin: germline. Observed: 1 variant allele, 1 hemizygote.

Natera, Inc.
Classification: Uncertain significance for Becker muscular dystrophy; Cardiomyopathy; Duchenne muscular dystrophy; Dystrophin deficiency. Last evaluated: 2020-01-10. Review status: no assertion criteria provided. Collection method: clinical testing. Allele origin: germline. Not counted in ClinVar's aggregate classification.

Literature cited by the submitters: PubMed 17576681 (cited by Labcorp Genetics (formerly Invitae), Labcorp); PubMed 9536098 (cited by Labcorp Genetics (formerly Invitae), Labcorp).